The following is an entry in ClinVar:

ClinVar aggregate classification (germline): Uncertain significance (1 of 4 stars; one submission).

Conditions:
LEPR-related disorder. Also called: LEPR-related disorders; LEPR-related condition.

gnomAD v4.1: 4 of 1,613,422 alleles (0.00025%); highest among the groups gnomAD compares: Admixed American, 0.0067%; no homozygotes.

Submission:

PreventionGenetics, part of Exact Sciences
Classification: Uncertain significance for LEPR-related condition. Last evaluated: 2025-09-15. Review status: criteria provided, single submitter. Criteria: ACMG Guidelines, 2015. Collection method: clinical testing. Allele origin: germline.
Comment: The LEPR c.590T>C variant is predicted to result in the amino acid substitution p.Leu197Pro. To our knowledge, this variant has not been reported in the literature. This variant is reported in 0.0058% of alleles in individuals of Latino descent in gnomAD. At this time, the clinical significance of this variant is uncertain due to the absence of conclusive functional and genetic evidence.

NM_002303.6(LEPR):c.590T>C (p.Leu197Pro)

Gene: LEPR (leptin receptor; plus strand). Cytogenetic location: 1p31.3.
Variant type: single nucleotide variant.
Coding change: c.590T>C on transcript NM_002303.6 (MANE Select); coding-DNA position 590, T replaced by C.
Protein change: p.Leu197Pro; replaces leucine 197 with proline.
Molecular consequence: missense variant.
Genome position (GRCh38, 1-based): chr1:65,592,752, T>C. VCF-style: chr1-65592752-T-C. GRCh37 (hg19) VCF-style: chr1-66058435-T-C.
Other names: c.590T>C, p.Leu197Pro (NM_001003679.3, NM_001003680.3, NM_001198687.2 and 2 more transcripts); short protein forms L197P.
Identifiers: ClinVar variation 4988648 (VCV004988648.1).